The following is an entry in ClinVar:

NM_000340.2(SLC2A2):c.301G>A (p.Val101Ile)

Gene: SLC2A2 (solute carrier family 2 member 2; minus strand). Cytogenetic location: 3q26.2.
Variant type: single nucleotide variant.
Coding change: c.301G>A on transcript NM_000340.2 (MANE Select); coding-DNA position 301, G replaced by A.
Protein change: p.Val101Ile; replaces valine 101 with isoleucine.
Molecular consequence: missense variant. On other transcripts: 5 prime UTR variant (1), intron variant (1).
Genome position (GRCh38, 1-based): chr3:171,014,539, C>T on the plus strand (G>A on the coding strand, the complement: SLC2A2 is on the minus strand). VCF-style: chr3-171014539-C-T. GRCh37 (hg19) VCF-style: chr3-170732328-C-T.
Other names: c.-94G>A (NM_001278659.2); c.14+3992G>A (NM_001278658.2); short protein forms V101I.
Identifiers: ClinVar variation 255898 (VCV000255898.42), dbSNP rs1800572, ClinGen allele CA2702728.

ClinVar aggregate classification (germline): Benign/Likely benign. Review status: criteria provided, multiple submitters, no conflicts (2 of 4 stars). 7 submissions from 7 submitters: Benign (5); Likely benign (2). Last evaluated 2026-01-12.

Conditions:
Monogenic diabetes. Identifiers: Orphanet 183625, MedGen C3888631, MONDO:0015967.
Fanconi-Bickel syndrome (FBS). Also called: FANCONI SYNDROME WITH INTESTINAL MALABSORPTION AND GALACTOSE INTOLERANCE; HEPATIC GLYCOGENOSIS WITH AMINO ACIDURIA AND GLUCOSURIA; HEPATIC GLYCOGENOSIS WITH FANCONI NEPHROPATHY; HEPATORENAL GLYCOGENOSIS WITH RENAL FANCONI SYNDROME; PSEUDO-PHLORIZIN DIABETES; Glycogen storage disease due to GLUT2 deficiency. Identifiers: Orphanet 2088, MedGen C3495427, MONDO:0009216, OMIM 227810.

Allele frequency attached by ClinVar (database versions not stated): ESP Exome Variant Server 0.00023; gnomAD 0.00061 and 0.00085; gnomAD exomes 0.00090 and 0.00158; TOPMed 0.00139; ExAC 0.00144; 1000 Genomes Project 30x 0.00281; 1000 Genomes Project 0.00319.
gnomAD v4.1: 1,460 of 1,614,160 alleles (0.09%); highest among the groups gnomAD compares: East Asian, 2.3%; 17 homozygotes.

Submissions (7):

Labcorp Genetics (formerly Invitae), Labcorp
Classification: Benign for Fanconi-Bickel syndrome. Last evaluated: 2026-01-12. Review status: criteria provided, single submitter. Criteria: Invitae Variant Classification Sherloc (09022015). Collection method: clinical testing. Allele origin: germline.

ARUP Laboratories, Molecular Genetics and Genomics, ARUP Laboratories
Classification: Likely benign. Last evaluated: 2023-12-19. Review status: criteria provided, single submitter. Criteria: ARUP Molecular Germline Variant Investigation Process 2024. Collection method: clinical testing. Allele origin: germline.

CeGaT Center for Human Genetics Tuebingen
Classification: Benign. Last evaluated: 2023-01-01. Review status: criteria provided, single submitter. Criteria: CeGaT Center For Human Genetics Tuebingen Variant Classification Criteria Version 2. Collection method: clinical testing. Allele origin: germline. Affected: yes. Observed: 1 variant allele.
Comment: ENSG00000286856: BS1, BS2; SLC2A2: BS1, BS2

Personalized Diabetes Medicine Program, University of Maryland School of Medicine
Classification: Benign for Monogenic diabetes. Last evaluated: 2019-02-15. Review status: criteria provided, single submitter. Criteria: ACMG Guidelines, 2015. Collection method: research. Allele origin: unknown. Observed: 1 variant allele, 1 heterozygote.
Comment: ACMG criteria: BA1 (1.4% MAF in gnomAD EA pop), BS2 (4 homozygotes in gnomAD) = benign (REVEL 0.464 + PP3/8 predictors + BP4/2 predictors= conflicting evidence, not using)

Illumina Laboratory Services, Illumina
Classification: Benign for Fanconi-Bickel syndrome. Last evaluated: 2017-04-27. Review status: criteria provided, single submitter. Criteria: ICSL Variant Classification Criteria 13 December 2019. Collection method: clinical testing. Allele origin: germline.
Comment: This variant was observed as part of a predisposition screen in an ostensibly healthy population. A literature search was performed for the gene, cDNA change, and amino acid change (where applicable). No publications were found based on this search. Allele frequency data from public databases was too high to be consistent with this variant causing disease. Therefore, this variant is classified as benign.

GeneDx
Classification: Likely benign. Last evaluated: 2017-03-10. Review status: criteria provided, single submitter. Criteria: GeneDx Variant Classification (06012015). Collection method: clinical testing. Allele origin: germline. Affected: yes.
Comment: This variant is considered likely benign or benign based on one or more of the following criteria: it is a conservative change, it occurs at a poorly conserved position in the protein, it is predicted to be benign by multiple in silico algorithms, and/or has population frequency not consistent with disease.

PreventionGenetics, part of Exact Sciences
Classification: Benign. Review status: criteria provided, single submitter. Criteria: ACMG Guidelines, 2015. Collection method: clinical testing. Allele origin: germline.